The following is an entry in ClinVar:

ClinVar aggregate classification (germline): Likely benign. Review status: criteria provided, single submitter (1 of 4 stars). 2 submissions from 2 submitters: Likely benign (1). 1 of the submissions does not count toward it. Last evaluated 2025-12-23.

Conditions:
NBAS-related disorder. Also called: NBAS-related condition.

Allele frequency attached by ClinVar (database versions not stated): gnomAD exomes 0.00001 and 0.00003; ExAC 0.00005; gnomAD 0.00005 and 0.00006; TOPMed 0.00012.
gnomAD v4.1: 31 of 1,613,984 alleles (0.0019%); highest among the groups gnomAD compares: Admixed American, 0.013%; no homozygotes.

Submissions (2):

Labcorp Genetics (formerly Invitae), Labcorp
Classification: Likely benign. Last evaluated: 2025-12-23. Review status: criteria provided, single submitter. Criteria: Invitae Variant Classification Sherloc (09022015). Collection method: clinical testing. Allele origin: germline.

PreventionGenetics, part of Exact Sciences
Classification: Likely benign for NBAS-related condition. Last evaluated: 2023-10-03. Review status: no assertion criteria provided. Collection method: clinical testing. Allele origin: germline. Not counted in ClinVar's aggregate classification.
Comment: This variant is classified as likely benign based on ACMG/AMP sequence variant interpretation guidelines (Richards et al. 2015 PMID: 25741868, with internal and published modifications).

NM_015909.4(NBAS):c.5979G>T (p.Leu1993=)

Gene: NBAS (NBAS subunit of NRZ tethering complex; minus strand). Cytogenetic location: 2p24.3.
Variant type: single nucleotide variant.
Coding change: c.5979G>T on transcript NM_015909.4 (MANE Select); coding-DNA position 5979, G replaced by T.
Protein change: p.Leu1993=; no amino-acid change (leucine 1993 retained).
Molecular consequence: synonymous variant. On other transcripts: non-coding transcript variant (1).
Genome position (GRCh38, 1-based): chr2:15,234,712, C>A on the plus strand (G>T on the coding strand, the complement: NBAS is on the minus strand). VCF-style: chr2-15234712-C-A. GRCh37 (hg19) VCF-style: chr2-15374836-C-A.
Other names: c.5979G>T (NM_015909.3).
Identifiers: ClinVar variation 1655976 (VCV001655976.10), dbSNP rs775045093, ClinGen allele CA1535146.
Genomic context (GRCh38, chr2:15,234,712, plus strand): 5'-CTGACCATCTAAACAAATAGCCACAGCTTCATCATGAAGTTTCTCTTTTTCTGATCGGGA[C>A]AGATCATAGAGGTGACTGTATTTTTGCAGTGTTTCCTGTAAAGACATGGTAATCAGCACT-3'
Protein context (NP_056993.2, residues 1983-2003): TLQKYSHLYD[Leu1993=]SRSEKEKLHD